The following is an entry in ClinVar:

NM_001379270.1(CNGA1):c.826C>T (p.Arg276Cys)

Genes: CNGA1 (cyclic nucleotide gated channel subunit alpha 1; minus strand), LOC101927157 (uncharacterized LOC101927157; plus strand). Cytogenetic location: 4p12.
Variant type: single nucleotide variant.
Coding change: c.826C>T on transcript NM_001379270.1 (MANE Select); coding-DNA position 826, C replaced by T.
Protein change: p.Arg276Cys; replaces arginine 276 with cysteine.
Molecular consequence: missense variant.
Genome position (GRCh38, 1-based): chr4:47,937,656, G>A on the plus strand (C>T on the coding strand, the complement: CNGA1 is on the minus strand). VCF-style: chr4-47937656-G-A. GRCh37 (hg19) VCF-style: chr4-47939673-G-A.
Other names: c.826C>T, p.Arg276Cys (NM_000087.5, NM_001142564.2); short protein forms R276C.
Identifiers: ClinVar variation 866138 (VCV000866138.11), dbSNP rs367772790, ClinGen allele CA96689421.
Genomic context (GRCh38, chr4:47,937,656, plus strand): 5'-TCCTGAAGATGTTTGGATAGTTTGTCCTTGTTTCTGTTCTCTGGAAGAACTCAAACATAC[G>A]AGAGAACCGTAACAACCTGTTTAATCTAATTTCTGGATAGTTCCACCCTAACTTAAAATA-3'
Protein context (NP_001366199.1, residues 266-286): IRLNRLLRFS[Arg276Cys]MFEFFQRTET

ClinVar aggregate classification (germline): Conflicting classifications of pathogenicity. Review status: criteria provided, conflicting classifications (1 of 4 stars). 4 submissions from 4 submitters: Pathogenic (1); Likely pathogenic (1); Uncertain significance (2). Last evaluated 2025-12-08.

Conditions:
CNGA1-related disorder. Also called: CNGA1-related condition.
Inborn genetic diseases. Identifiers: MedGen C0950123, MeSH D030342.

Allele frequency attached by ClinVar (database versions not stated): TOPMed 0.00001; gnomAD 0.00005 and 0.00006; ESP Exome Variant Server 0.00017.
gnomAD v4.1: 21 of 1,613,988 alleles (0.0013%); highest among the groups gnomAD compares: African/African-American, 0.0053%; no homozygotes.

Submissions (4):

Ambry Genetics
Classification: Uncertain significance for Inborn genetic diseases. Last evaluated: 2025-12-08. Review status: criteria provided, single submitter. Criteria: Ambry Variant Classification Scheme 2023. Collection method: clinical testing. Allele origin: germline.

Labcorp Genetics (formerly Invitae), Labcorp
Classification: Pathogenic. Last evaluated: 2025-10-03. Review status: criteria provided, single submitter. Criteria: Invitae Variant Classification Sherloc (09022015). Collection method: clinical testing. Allele origin: germline.
Comment: This sequence change replaces arginine, which is basic and polar, with cysteine, which is neutral and slightly polar, at codon 280 of the CNGA1 protein (p.Arg280Cys). This variant is present in population databases (rs367772790, gnomAD 0.03%). This missense change has been observed in individual(s) with retinitis pigmentosa (internal data). In at least one individual the data is consistent with being in trans (on the opposite chromosome) from a pathogenic variant. ClinVar contains an entry for this variant (Variation ID: 866138). Invitae Evidence Modeling of protein sequence and biophysical properties (such as structural, functional, and spatial information, amino acid conservation, physicochemical variation, residue mobility, and thermodynamic stability) indicates that this missense variant is expected to disrupt CNGA1 protein function with a positive predictive value of 80%. For these reasons, this variant has been classified as Pathogenic.

GeneDx
Classification: Uncertain significance. Last evaluated: 2024-04-16. Review status: criteria provided, single submitter. Criteria: GeneDx Variant Classification Process June 2021. Collection method: clinical testing. Allele origin: germline. Affected: yes.
Comment: In silico analysis supports that this missense variant has a deleterious effect on protein structure/function; Has not been previously published as pathogenic or benign to our knowledge

Blueprint Genetics
Classification: Likely pathogenic for CNGA1-related disorders. Last evaluated: 2022-11-17. Review status: criteria provided, single submitter. Criteria: ACMG Guidelines, 2015. Collection method: clinical testing. Allele origin: germline. Affected: yes. Observed: 3 variant alleles.